The following is an entry in ClinVar:

ClinVar aggregate classification (germline): Uncertain significance (1 of 4 stars; one submission).

gnomAD v4.1: 2 of 1,613,358 alleles (0.00012%); highest among the groups gnomAD compares: African/African-American, 0.0013%; no homozygotes.

Submission:

GeneDx
Classification: Uncertain significance. Last evaluated: 2024-05-18. Review status: criteria provided, single submitter. Criteria: GeneDx Variant Classification Process June 2021. Collection method: clinical testing. Allele origin: germline. Affected: yes.
Comment: Not observed at significant frequency in large population cohorts (gnomAD); In silico analysis indicates that this missense variant does not alter protein structure/function; Has not been previously published as pathogenic or benign to our knowledge

NM_015030.2(FRYL):c.3445C>T (p.His1149Tyr)

Gene: FRYL (FRY like transcription coactivator; minus strand). Cytogenetic location: 4p11.
Variant type: single nucleotide variant.
Coding change: c.3445C>T on transcript NM_015030.2 (MANE Select); coding-DNA position 3445, C replaced by T.
Protein change: p.His1149Tyr; replaces histidine 1149 with tyrosine.
Molecular consequence: missense variant.
Genome position (GRCh38, 1-based): chr4:48,564,099, G>A on the plus strand (C>T on the coding strand, the complement: FRYL is on the minus strand). VCF-style: chr4-48564099-G-A. GRCh37 (hg19) VCF-style: chr4-48566116-G-A.
Other names: short protein forms H1149Y.
Identifiers: ClinVar variation 3383547 (VCV003383547.1).